The following is an entry in ClinVar:

NM_019098.5(CNGB3):c.339-1G>T

Gene: CNGB3 (cyclic nucleotide gated channel subunit beta 3; minus strand). Cytogenetic location: 8q21.3.
Variant type: single nucleotide variant.
Coding change: c.339-1G>T on transcript NM_019098.5 (MANE Select); the canonical splice acceptor site of the intron before coding-DNA position 339, G replaced by T.
Molecular consequence: splice acceptor variant.
Genome position (GRCh38, 1-based): chr8:86,671,099, C>A on the plus strand (G>T on the coding strand, the complement: CNGB3 is on the minus strand). VCF-style: chr8-86671099-C-A. GRCh37 (hg19) VCF-style: chr8-87683327-C-A.
Identifiers: ClinVar variation 4816020 (VCV004816020.1).
Genomic context (GRCh38, chr8:86,671,099, plus strand): 5'-TGTAGCTGGGCATCGGCATACTCATTTATAACAGGAGCTGCAGGCGGTTTGTTTTGTGGG[C>A]TAAATGAGAAAAAAAATGGCAATAGAGATGGGCCCATGAAGAAATAGATATAAGGGAAAG-3'

ClinVar aggregate classification (germline): Likely pathogenic (1 of 4 stars; one submission).

Conditions:
Achromatopsia. Also called: Rod monochromatism. Identifiers: Orphanet 49382, MedGen C0152200, MONDO:0018852, HP:0011516.

Submission:

Natera, Inc.
Classification: Likely pathogenic for Achromatopsia. Last evaluated: 2024-04-03. Review status: criteria provided, single submitter. Criteria: Natera Variant Classification Schema (03/2026). Collection method: clinical testing. Allele origin: germline.
Comment: The c.339-1G>T variant in CNGB3 is a canonical splice acceptor site variant predicted to affect pre-mRNA splicing, which may result in an abnormal transcript and altered protein product. This variant is expected to result in nonsense mediated decay, truncation, or a dysfunctional protein product. This variant is rare in the general population with a frequency below the threshold expected for the associated phenotype(s). Given the available evidence, this variant is classified as Likely Pathogenic.